The following is an entry in ClinVar:

NM_020135.3(WRNIP1):c.1230G>C (p.Leu410=)

Genes: WRNIP1 (WRN helicase interacting protein 1; plus strand), MYLK4 (myosin light chain kinase family member 4; minus strand). Cytogenetic location: 6p25.2.
Variant type: single nucleotide variant.
Coding change: c.1230G>C on transcript NM_020135.3 (MANE Select); coding-DNA position 1230, G replaced by C.
Protein change: p.Leu410=; no amino-acid change (leucine 410 retained).
Molecular consequence: synonymous variant. On other transcripts: 5 prime UTR variant (1).
Genome position (GRCh38, 1-based): chr6:2,770,335, G>C. VCF-style: chr6-2770335-G-C. GRCh37 (hg19) VCF-style: chr6-2770569-G-C.
Other names: c.-222C>G (NM_001347872.2); c.1155G>C, p.Leu385= (NM_130395.3).
Identifiers: ClinVar variation 3042810 (VCV003042810.2), dbSNP rs2480746449, ClinGen allele CA448394930.

ClinVar aggregate classification (germline): Likely benign (0 of 4 stars; one submission).

Conditions:
WRNIP1-related disorder. Also called: WRNIP1-related condition.

Submission:

PreventionGenetics, part of Exact Sciences
Classification: Likely benign for WRNIP1-related condition. Last evaluated: 2023-11-29. Review status: no assertion criteria provided. Collection method: clinical testing. Allele origin: germline.
Comment: This variant is classified as likely benign based on ACMG/AMP sequence variant interpretation guidelines (Richards et al. 2015 PMID: 25741868, with internal and published modifications).